The following is an entry in ClinVar:

ClinVar aggregate classification (germline): Pathogenic/Likely pathogenic. Review status: criteria provided, multiple submitters, no conflicts (2 of 4 stars). 3 submissions from 3 submitters: Pathogenic (2); Likely pathogenic (1). Last evaluated 2025-07-29.

Conditions:
Carney-Stratakis syndrome. Also called: PARAGANGLIOMA AND GASTROINTESTINAL STROMAL TUMOR. Identifiers: Orphanet 97286, MedGen C1847319, MONDO:0011740, OMIM 606864.
Paragangliomas with sensorineural hearing loss. Identifiers: MedGen C1868633.
Cowden syndrome 3 (CWS3). Identifiers: Orphanet 201, MedGen CN166604, MONDO:0014045.
Pheochromocytoma. Also called: MAX-Related Hereditary Paraganglioma-Pheochromocytoma Syndrome. Identifiers: Orphanet 29072, MedGen C0031511, MONDO:0008233, OMIM 171300, HP:0002666.
Hereditary pheochromocytoma and paraganglioma. Also called: Hereditary Paraganglioma-Pheochromocytoma Syndromes; Hereditary paragangliomas and pheochromocytomas; Hereditary pheochromocytoma-paraganglioma. Identifiers: Orphanet 29072, MedGen C4274332, MONDO:0017366.
Pheochromocytoma/paraganglioma syndrome 1. Also called: PARAGANGLIOMATA; Paragangliomas 1; Glomus tumors familial 1; PARAGANGLIOMAS, FAMILIAL NONCHROMAFFIN, 1; PGL 1; Paragangliomas familial 1. Identifiers: Orphanet 29072, MedGen C3494181, MONDO:0008192, OMIM 168000.

Submissions (3):

Color Diagnostics, LLC DBA Color Health
Classification: Pathogenic for Hereditary pheochromocytoma and paraganglioma. Last evaluated: 2025-07-29. Review status: criteria provided, single submitter. Criteria: ACMG Guidelines, 2015. Collection method: clinical testing. Allele origin: germline.
Comment: This variant deletes 4 nucleotides in exon 1 of the SDHD gene, creating a frameshift and premature translation stop signal. This variant is expected to result in an absent or non-functional protein product. This variant has been reported in an individual affected with pheochromocytoma in the literature (PMID: 38473309). This variant has not been identified in the general population by the Genome Aggregation Database (gnomAD). Loss of SDHD function is a known mechanism of disease. Based on the available evidence, this variant is classified as Pathogenic.

Labcorp Genetics (formerly Invitae), Labcorp
Classification: Pathogenic for Carney-Stratakis syndrome; Paragangliomas with sensorineural hearing loss; Pheochromocytoma; Cowden syndrome 3. Last evaluated: 2020-01-23. Review status: criteria provided, single submitter. Criteria: Invitae Variant Classification Sherloc (09022015). Collection method: clinical testing. Allele origin: germline.
Comment: This sequence change creates a premature translational stop signal (p.Leu7Valfs*7) in the SDHD gene. It is expected to result in an absent or disrupted protein product. This variant is not present in population databases (ExAC no frequency). This variant has not been reported in the literature in individuals with SDHD-related conditions. ClinVar contains an entry for this variant (Variation ID: 547769). Loss-of-function variants in SDHD are known to be pathogenic (PMID: 19454582, 19802898). For these reasons, this variant has been classified as Pathogenic.

Center for Human Genetics, Inc
Classification: Likely pathogenic for Paragangliomas with sensorineural hearing loss. Last evaluated: 2016-11-01. Review status: criteria provided, single submitter. Criteria: ACMG Guidelines, 2015. Collection method: clinical testing. Allele origin: germline. Affected: yes.

Literature cited by the submitters: PubMed 38473309 (cited by Color Diagnostics, LLC DBA Color Health); PubMed 19454582 (cited by Labcorp Genetics (formerly Invitae), Labcorp); PubMed 19802898 (cited by Labcorp Genetics (formerly Invitae), Labcorp).

NM_003002.4(SDHD):c.18_21del (p.Leu7fs)

Genes: SDHD (succinate dehydrogenase complex subunit D; plus strand), LOC126861339 (BRD4-independent group 4 enhancer GRCh37_chr11:111957035-111958234; plus strand). Cytogenetic location: 11q23.1.
Variant type: Deletion.
Coding change: c.18_21del on transcript NM_003002.4 (MANE Select); coding-DNA positions 18 to 21, 4 bases deleted (GCTG; older notation c.18_21delGCTG).
Protein change: p.Leu7fs; shifts the reading frame from leucine 7.
Molecular consequence: frameshift variant. On other transcripts: non-coding transcript variant (1).
Genome position (GRCh38, 1-based): chr11:112,086,925-112,086,928, GCTG deleted; deleting any 4 consecutive bases within chr11:112,086,924-112,086,928 gives the same sequence; the c. name uses the placement nearest the transcript's 3' end. VCF-style (leftmost placement, unchanged base first): chr11-112086923-AGGCT-A. GRCh37 (hg19) VCF-style: chr11-111957647-AGGCT-A.
Other names: c.18_21del, p.Leu7fs (NM_001276503.2, NM_001276504.2, NM_001276506.2); short protein forms L7fs.
Identifiers: ClinVar variation 547769 (VCV000547769.48), dbSNP rs1555186662, ClinGen allele CA658821855.
Genomic context (GRCh38, chr11:112,086,923, plus strand): 5'-AAGTGGTTCCGGGTTGGTGGATGACCTTGAGCCCTCAGGAACGAGATGGCGGTTCTCTGG[AGGCT>A]GAGTGCCGTTTGCGGTGCCCTAGGAGGCCGAGGTGAGGGGTCTTCCCACCCTGAGGTGCT-3'